The following is an entry in ClinVar:

ClinVar aggregate classification (germline): Uncertain significance (1 of 4 stars; one submission).

Submission:

Labcorp Genetics (formerly Invitae), Labcorp
Classification: Uncertain significance. Last evaluated: 2025-10-04. Review status: criteria provided, single submitter. Criteria: Invitae Variant Classification Sherloc (09022015). Collection method: clinical testing. Allele origin: germline.
Comment: This sequence change replaces threonine, which is neutral and polar, with lysine, which is basic and polar, at codon 852 of the SETBP1 protein (p.Thr852Lys). This variant is not present in population databases (gnomAD no frequency). This variant has not been reported in the literature in individuals affected with SETBP1-related conditions. Invitae Evidence Modeling of protein sequence and biophysical properties (such as structural, functional, and spatial information, amino acid conservation, physicochemical variation, residue mobility, and thermodynamic stability) indicates that this missense variant is expected to disrupt SETBP1 protein function with a positive predictive value of 80%. In summary, the available evidence is currently insufficient to determine the role of this variant in disease. Therefore, it has been classified as a Variant of Uncertain Significance.

NM_015559.3(SETBP1):c.2555C>A (p.Thr852Lys)

Gene: SETBP1 (SET binding protein 1; plus strand). Cytogenetic location: 18q12.3.
Variant type: single nucleotide variant.
Coding change: c.2555C>A on transcript NM_015559.3 (MANE Select); coding-DNA position 2555, C replaced by A.
Protein change: p.Thr852Lys; replaces threonine 852 with lysine.
Molecular consequence: missense variant.
Genome position (GRCh38, 1-based): chr18:44,951,895, C>A. VCF-style: chr18-44951895-C-A. GRCh37 (hg19) VCF-style: chr18-42531860-C-A.
Other names: c.2555C>A, p.Thr852Lys (NM_001379141.1, NM_001379142.1, NM_001410862.1); short protein forms T852K.
Identifiers: ClinVar variation 4740841 (VCV004740841.1).